The following is an entry in ClinVar:

NM_000018.4(ACADVL):c.1757C>G (p.Ser586Ter)

Gene: ACADVL (acyl-CoA dehydrogenase very long chain; plus strand). Cytogenetic location: 17p13.1.
Variant type: single nucleotide variant.
Coding change: c.1757C>G on transcript NM_000018.4 (MANE Select); coding-DNA position 1757, C replaced by G.
Protein change: p.Ser586Ter; replaces serine 586 with a stop codon.
Molecular consequence: nonsense.
Genome position (GRCh38, 1-based): chr17:7,224,814, C>G. VCF-style: chr17-7224814-C-G. GRCh37 (hg19) VCF-style: chr17-7128133-C-G.
Other names: c.1691C>G, p.Ser564Ter (NM_001033859.3); c.1826C>G, p.Ser609Ter (NM_001270447.2); c.1529C>G, p.Ser510Ter (NM_001270448.2); short protein forms S586*, S510*, S609*, S564*.
Identifiers: ClinVar variation 2857192 (VCV002857192.4), dbSNP rs751002045, ClinGen allele CA8338263.

ClinVar aggregate classification (germline): Pathogenic. Review status: criteria provided, multiple submitters, no conflicts (2 of 4 stars). 2 submissions from 2 submitters: Pathogenic (2). Last evaluated 2026-08-07.

Conditions:
Very long chain acyl-CoA dehydrogenase deficiency (ACADVLD). Also called: VLCAD Deficiency; Very Long-Chain Acyl-Coenzyme A Dehydrogenase Deficiency. Identifiers: Orphanet 26793, MedGen C3887523, MONDO:0008723, OMIM 201475.

Allele frequency attached by ClinVar (database versions not stated): gnomAD exomes below 0.00001; ExAC 0.00001.

Submissions (2):

Myriad Genetics, Inc.
Classification: Pathogenic for Very long chain acyl-CoA dehydrogenase deficiency. Last evaluated: 2026-08-07. Review status: criteria provided, single submitter. Criteria: Myriad Autosomal Dominant, Autosomal Recessive and X-Linked Classification Criteria (2023). Collection method: clinical testing. Allele origin: unknown.
Comment: NM_000018.3(ACADVL):c.1757C>G(S586*) is a nonsense variant classified as pathogenic in the context of very-long-chain acyl-CoA dehydrogenase deficiency. S586* has not been observed in cases with relevant disease. Relevant functional assessments of this variant are not available in the literature. S586* has been observed in referenced population frequency databases. In summary, NM_000018.3(ACADVL):c.1757C>G(S586*) is a nonsense variant in a gene where loss of function is a known mechanism of disease and is predicted to disrupt protein function. Please note: this variant was assessed in the context of healthy population screening.

Labcorp Genetics (formerly Invitae), Labcorp
Classification: Pathogenic for Very long chain acyl-CoA dehydrogenase deficiency. Last evaluated: 2025-10-10. Review status: criteria provided, single submitter. Criteria: Invitae Variant Classification Sherloc (09022015). Collection method: clinical testing. Allele origin: germline.
Comment: This sequence change creates a premature translational stop signal (p.Ser586*) in the ACADVL gene. It is expected to result in an absent or disrupted protein product. Loss-of-function variants in ACADVL are known to be pathogenic (PMID: 9973285, 11590124). This variant is present in population databases (rs751002045, gnomAD 0.007%). This variant has not been reported in the literature in individuals affected with ACADVL-related conditions. ClinVar contains an entry for this variant (Variation ID: 2857192). For these reasons, this variant has been classified as Pathogenic.

Literature cited by the submitters: PubMed 9973285 (cited by Labcorp Genetics (formerly Invitae), Labcorp); PubMed 11590124 (cited by Labcorp Genetics (formerly Invitae), Labcorp).